The following is an entry in ClinVar:

ClinVar aggregate classification (germline): Uncertain significance (1 of 4 stars; one submission).

Conditions:
Nephronophthisis 18 (NPHP18). Identifiers: Orphanet 655, MedGen C3890591, MONDO:0014374, OMIM 615862.

Submission:

Labcorp Genetics (formerly Invitae), Labcorp
Classification: Uncertain significance for Nephronophthisis 18. Last evaluated: 2022-07-06. Review status: criteria provided, single submitter. Criteria: Invitae Variant Classification Sherloc (09022015). Collection method: clinical testing. Allele origin: germline.
Comment: In summary, the available evidence is currently insufficient to determine the role of this variant in disease. Therefore, it has been classified as a Variant of Uncertain Significance. Algorithms developed to predict the effect of missense changes on protein structure and function are either unavailable or do not agree on the potential impact of this missense change (SIFT: "Not Available"; PolyPhen-2: "Benign"; Align-GVGD: "Not Available"). This variant has not been reported in the literature in individuals affected with CEP83-related conditions. This variant is not present in population databases (gnomAD no frequency). This sequence change replaces histidine, which is basic and polar, with asparagine, which is neutral and polar, at codon 299 of the CEP83 protein (p.His299Asn).

NM_016122.3(CEP83):c.895C>A (p.His299Asn)

Gene: CEP83 (centrosomal protein 83; minus strand). Cytogenetic location: 12q22.
Variant type: single nucleotide variant.
Coding change: c.895C>A on transcript NM_016122.3 (MANE Select); coding-DNA position 895, C replaced by A.
Protein change: p.His299Asn; replaces histidine 299 with asparagine.
Molecular consequence: missense variant. On other transcripts: non-coding transcript variant (2).
Genome position (GRCh38, 1-based): chr12:94,375,924, G>T on the plus strand (C>A on the coding strand, the complement: CEP83 is on the minus strand). VCF-style: chr12-94375924-G-T. GRCh37 (hg19) VCF-style: chr12-94769700-G-T.
Other names: c.895C>A, p.His299Asn (NM_001042399.2, NM_001346457.2, NM_001346460.2 and 3 more transcripts); c.583C>A, p.His195Asn (NM_001346458.2, NM_001346459.2, NM_001346462.2 and 2 more transcripts); c.670C>A, p.His224Asn (NM_001368041.1); c.358C>A, p.His120Asn (NM_001368042.1); short protein forms H299N, H120N, H195N, H224N.
Identifiers: ClinVar variation 1956347 (VCV001956347.5), dbSNP rs2541790018, ClinGen allele CA386146362.
Genomic context (GRCh38, chr12:94,375,924, plus strand): 5'-ACAGAAACATAAAACAACTTACTTTACTGGACAATGTATTTATTTCTCGTTCAGCTTTAT[G>T]CAATTTATTAATTAAAAAGGTATTTTGTTCACTGCTTGATTGTAGCTCTTTTTCCAAACG-3'
Protein context (NP_057206.2, residues 289-309): EQNTFLINKL[His299Asn]KAEREINTLS